The following is an entry in ClinVar:

ClinVar aggregate classification (germline): Uncertain significance (1 of 4 stars; one submission).

Conditions:
Cerebral cavernous malformation 2. Also called: Familial Cerebral Cavernous Malformation 2. Identifiers: Orphanet 221061, MedGen C1864041, MONDO:0011304, OMIM 603284.

gnomAD v4.1: 1 of 1,613,044 alleles (0.000062%); highest among the groups gnomAD compares: African/African-American, 0.0013%; no homozygotes.

Submission:

Labcorp Genetics (formerly Invitae), Labcorp
Classification: Uncertain significance for Cerebral cavernous malformation 2. Last evaluated: 2022-10-05. Review status: criteria provided, single submitter. Criteria: Invitae Variant Classification Sherloc (09022015). Collection method: clinical testing. Allele origin: germline.
Comment: This sequence change replaces threonine, which is neutral and polar, with alanine, which is neutral and non-polar, at codon 394 of the CCM2 protein (p.Thr394Ala). In summary, the available evidence is currently insufficient to determine the role of this variant in disease. Therefore, it has been classified as a Variant of Uncertain Significance. Advanced modeling of protein sequence and biophysical properties (such as structural, functional, and spatial information, amino acid conservation, physicochemical variation, residue mobility, and thermodynamic stability) performed at Invitae indicates that this missense variant is not expected to disrupt CCM2 protein function. ClinVar contains an entry for this variant (Variation ID: 1462905). This variant has not been reported in the literature in individuals affected with CCM2-related conditions. This variant is not present in population databases (gnomAD no frequency).

NM_031443.4(CCM2):c.1180A>G (p.Thr394Ala)

Gene: CCM2 (CCM2 scaffold protein; plus strand). Cytogenetic location: 7p13.
Variant type: single nucleotide variant.
Coding change: c.1180A>G on transcript NM_031443.4 (MANE Select); coding-DNA position 1180, A replaced by G.
Protein change: p.Thr394Ala; replaces threonine 394 with alanine.
Molecular consequence: missense variant. On other transcripts: non-coding transcript variant (1).
Genome position (GRCh38, 1-based): chr7:45,075,902, A>G. VCF-style: chr7-45075902-A-G. GRCh37 (hg19) VCF-style: chr7-45115501-A-G.
Other names: c.1243A>G, p.Thr415Ala (NM_001029835.2); c.1006A>G, p.Thr336Ala (NM_001167934.2); c.907A>G, p.Thr303Ala (NM_001167935.2); c.1303A>G, p.Thr435Ala (NM_001363458.2); c.1129A>G, p.Thr377Ala (NM_001363459.2); short protein forms T303A, T377A, T415A, T435A, T336A, T394A.
Identifiers: ClinVar variation 1462905 (VCV001462905.6), dbSNP rs368380083, ClinGen allele CA367431775.